The following is an entry in ClinVar:

NM_005334.3(HCFC1):c.5260+7G>A

Gene: HCFC1 (host cell factor C1; minus strand). Cytogenetic location: Xq28.
Variant type: single nucleotide variant.
Coding change: c.5260+7G>A on transcript NM_005334.3 (MANE Select); 7 bases into the intron after coding-DNA position 5260, G replaced by A.
Molecular consequence: intron variant.
Genome position (GRCh38, 1-based): chrX:153,951,834, C>T on the plus strand (G>A on the coding strand, the complement: HCFC1 is on the minus strand). VCF-style: chrX-153951834-C-T. GRCh37 (hg19) VCF-style: chrX-153217285-C-T.
Identifiers: ClinVar variation 2065863 (VCV002065863.8), dbSNP rs781815064, ClinGen allele CA10556842.

ClinVar aggregate classification (germline): Likely benign. Review status: criteria provided, multiple submitters, no conflicts (2 of 4 stars). 2 submissions from 2 submitters: Likely benign (2). Last evaluated 2026-03-01.

Conditions:
Methylmalonic acidemia with homocystinuria, type cblX (MAHCX). Also called: INTELLECTUAL DEVELOPMENTAL DISORDER, X-LINKED 3. Identifiers: Orphanet 369962, MedGen C0796208, MONDO:0010657, OMIM 309541.

Allele frequency attached by ClinVar (database versions not stated): ExAC 0.00002; TOPMed 0.00003; gnomAD 0.00004; gnomAD exomes 0.00006.

Submissions (2):

CeGaT Center for Human Genetics Tuebingen
Classification: Likely benign. Last evaluated: 2026-03-01. Review status: criteria provided, single submitter. Criteria: CeGaT Center For Human Genetics Tuebingen Variant Classification Criteria Version 2. Collection method: clinical testing. Allele origin: germline. Affected: yes. Observed: 1 variant allele.
Comment: HCFC1: BP4, BS2

Labcorp Genetics (formerly Invitae), Labcorp
Classification: Likely benign for Methylmalonic acidemia with homocystinuria, type cblX. Last evaluated: 2024-02-17. Review status: criteria provided, single submitter. Criteria: Invitae Variant Classification Sherloc (09022015). Collection method: clinical testing. Allele origin: germline.